The following is an entry in ClinVar:

ClinVar aggregate classification (germline): Conflicting classifications of pathogenicity. Review status: criteria provided, conflicting classifications (1 of 4 stars). 6 submissions from 6 submitters: Likely pathogenic (1); Uncertain significance (4). 1 of the submissions does not count toward it. Last evaluated 2024-10-11.

Conditions:
Cystic fibrosis (CF). Also called: MUCOVISCIDOSIS. Identifiers: Orphanet 586, MedGen C0010674, MONDO:0009061, OMIM 219700. Disease mechanism: loss of function.
Hereditary pancreatitis (PCTT). Also called: PRSS1-Related Hereditary Pancreatitis; Hereditary chronic pancreatitis. Identifiers: Orphanet 676, MedGen C0238339, MONDO:0008185, OMIM 167800.
Bronchiectasis with or without elevated sweat chloride 1 (BESC1). Also called: Cystic Fibrosis-Like Syndrome. Identifiers: Orphanet 60033, MedGen C2749757, MONDO:0008887, OMIM 211400.
Congenital bilateral aplasia of vas deferens from CFTR mutation (CBAVD). Identifiers: Orphanet 48, MedGen C0403814, MONDO:0010178, OMIM 277180. Disease mechanism: loss of function.

Allele frequency attached by ClinVar (database versions not stated): gnomAD exomes below 0.00001.
gnomAD v4.1: 2 of 1,613,996 alleles (0.00012%); highest among the groups gnomAD compares: Middle Eastern, 0.033%; no homozygotes.

Submissions (6):

Women's Health and Genetics/Laboratory Corporation of America, LabCorp
Classification: Uncertain significance. Last evaluated: 2024-10-11. Review status: criteria provided, single submitter. Criteria: LabCorp Variant Classification Summary - May 2015. Collection method: clinical testing. Allele origin: germline.
Comment: Variant summary: CFTR c.1993A>T (p.Thr665Ser) results in a conservative amino acid change located in the CFTR regulator domain (IPR025837) and Cystic fibrosis transmembrane conductance regulator, ATP-binding cassette domain 1 (IPR047082) of the encoded protein sequence. Four of five in-silico tools predict a damaging effect of the variant on protein function. The variant strengthened a cryptic 3' acceptor in exon 14 in an in vitro minigene assay (Aznarez_2003). However the abnormal splicing products were also observed in WT and other nearby variants, and consensus agreement among computation tools predict no significant impact on normal splicing. The variant was absent in 250140 control chromosomes. The available data on variant occurrences in the general population are insufficient to allow any conclusion about variant significance. c.1993A>T has been reported in the literature in at-least two individuals affected with Cystic Fibrosis, however in one case, the second variant in CFTR was not identified (Naguib_2006), and in the other case, the full information was not available for analysis (Messaoud_1996). These report(s) do not provide unequivocal conclusions about association of the variant with Cystic Fibrosis. At least one publication reports experimental evidence evaluating an impact on splicing effects, however, does not allow convincing conclusions about the variant effect (Aznarez_2003). The following publications have been ascertained in the context of this evaluation (PMID: 12913074, 8800923, 16837250). ClinVar contains an entry for this variant (Variation ID: 993031). Based on the evidence outlined above, the variant was classified as uncertain significance.

Genomic Medicine Center of Excellence, King Faisal Specialist Hospital and Research Centre
Classification: Uncertain significance for Cystic fibrosis. Last evaluated: 2024-03-29. Review status: criteria provided, single submitter. Criteria: ACMG Guidelines, 2015. Collection method: clinical testing. Allele origin: germline.

Fulgent Genetics
Classification: Likely pathogenic for Hereditary pancreatitis; Bronchiectasis with or without elevated sweat chloride 1; Cystic fibrosis; Congenital bilateral aplasia of vas deferens from CFTR mutation. Last evaluated: 2024-03-18. Review status: criteria provided, single submitter. Criteria: ACMG Guidelines, 2015. Collection method: clinical testing. Allele origin: germline.

Mayo Clinic Laboratories, Mayo Clinic
Classification: Uncertain significance. Last evaluated: 2023-03-21. Review status: criteria provided, single submitter. Criteria: ACMG Guidelines, 2015. Collection method: clinical testing. Allele origin: germline. Observed: 1 variant allele.
Comment: PP3, PM2

Blueprint Genetics
Classification: Uncertain significance. Last evaluated: 2020-03-31. Review status: criteria provided, single submitter. Criteria: ACMG Guidelines, 2015. Collection method: clinical testing. Allele origin: germline.

Biochemical Molecular Genetic Laboratory, King Abdulaziz Medical City
Classification: Likely pathogenic for Cystic fibrosis. Last evaluated: 2020-10-11. Review status: no assertion criteria provided. Collection method: clinical testing. Allele origin: germline. Affected: yes. Not counted in ClinVar's aggregate classification.

Literature cited by the submitters: PubMed 12913074 (cited by Women's Health and Genetics/Laboratory Corporation of America, LabCorp and Mayo Clinic Laboratories, Mayo Clinic); PubMed 16837250 (cited by Women's Health and Genetics/Laboratory Corporation of America, LabCorp); PubMed 8800923 (cited by Women's Health and Genetics/Laboratory Corporation of America, LabCorp and Mayo Clinic Laboratories, Mayo Clinic); PubMed 26656651 (cited by Mayo Clinic Laboratories, Mayo Clinic); PubMed 30419605 (cited by Mayo Clinic Laboratories, Mayo Clinic); PubMed 9736778 (cited by Mayo Clinic Laboratories, Mayo Clinic).

NM_000492.4(CFTR):c.1993A>T (p.Thr665Ser)

Gene: CFTR (CF transmembrane conductance regulator; plus strand). Cytogenetic location: 7q31.2.
Variant type: single nucleotide variant.
Coding change: c.1993A>T on transcript NM_000492.4 (MANE Select); coding-DNA position 1993, A replaced by T.
Protein change: p.Thr665Ser; replaces threonine 665 with serine.
Molecular consequence: missense variant.
Genome position (GRCh38, 1-based): chr7:117,592,160, A>T. VCF-style: chr7-117592160-A-T. GRCh37 (hg19) VCF-style: chr7-117232214-A-T.
Other names: p.Thr665Ser; short protein forms T665S.
Identifiers: ClinVar variation 993031 (VCV000993031.6), dbSNP rs1177201180, ClinGen allele CA368979156.